The following is an entry in ClinVar:

NM_001384125.1(BLTP1):c.6315A>G (p.Leu2105=)

Gene: BLTP1 (bridge-like lipid transfer protein family member 1; plus strand). Cytogenetic location: 4q27.
Variant type: single nucleotide variant.
Coding change: c.6315A>G on transcript NM_001384125.1 (MANE Select); coding-DNA position 6315, A replaced by G.
Protein change: p.Leu2105=; no amino-acid change (leucine 2105 retained).
Molecular consequence: synonymous variant.
Genome position (GRCh38, 1-based): chr4:122,255,220, A>G. VCF-style: chr4-122255220-A-G. GRCh37 (hg19) VCF-style: chr4-123176375-A-G.
Other names: c.6315A>G, p.Leu2105= (NM_015312.4).
Identifiers: ClinVar variation 1241788 (VCV001241788.5), dbSNP rs28520439, ClinGen allele CA3066791.

ClinVar aggregate classification (germline): Benign. Review status: criteria provided, single submitter (1 of 4 stars). 2 submissions from 2 submitters: Benign (1). 1 of the submissions does not count toward it. Last evaluated 2021-05-04.

Conditions:
BLTP1-related disorder. Also called: BLTP1-related condition.

Allele frequency attached by ClinVar (database versions not stated): gnomAD exomes 0.01381; ESP Exome Variant Server 0.06428; gnomAD 0.06481 and 0.06849; TOPMed 0.07207; 1000 Genomes Project 0.07328; 1000 Genomes Project 30x 0.08214.
gnomAD v4.1: 30,459 of 1,612,922 alleles (1.9%); highest among the groups gnomAD compares: African/African-American, 21%; 1,826 homozygotes.

Submissions (2):

GeneDx
Classification: Benign. Last evaluated: 2021-05-04. Review status: criteria provided, single submitter. Criteria: GeneDx Variant Classification Process June 2021. Collection method: clinical testing. Allele origin: germline. Affected: yes.

PreventionGenetics, part of Exact Sciences
Classification: Benign for BLTP1-related condition. Last evaluated: 2020-01-06. Review status: no assertion criteria provided. Collection method: clinical testing. Allele origin: germline. Not counted in ClinVar's aggregate classification.
Comment: This variant is classified as benign based on ACMG/AMP sequence variant interpretation guidelines (Richards et al. 2015 PMID: 25741868, with internal and published modifications).